The following is an entry in ClinVar:

ClinVar aggregate classification (germline): Uncertain significance (1 of 4 stars; one submission).

gnomAD v4.1: 6 of 1,578,212 alleles (0.00038%); highest among the groups gnomAD compares: East Asian, 0.007%; no homozygotes.

Submission:

Labcorp Genetics (formerly Invitae), Labcorp
Classification: Uncertain significance. Last evaluated: 2025-09-25. Review status: criteria provided, single submitter. Criteria: Invitae Variant Classification Sherloc (09022015). Collection method: clinical testing. Allele origin: germline.
Comment: This sequence change replaces serine, which is neutral and polar, with tyrosine, which is neutral and polar, at codon 180 of the CEACAM16 protein (p.Ser180Tyr). This variant is not present in population databases (gnomAD no frequency). This missense change has been observed in individual(s) with deafness (PMID: 36597107). Invitae Evidence Modeling of protein sequence and biophysical properties (such as structural, functional, and spatial information, amino acid conservation, physicochemical variation, residue mobility, and thermodynamic stability) indicates that this missense variant is not expected to disrupt CEACAM16 protein function with a negative predictive value of 80%. In summary, the available evidence is currently insufficient to determine the role of this variant in disease. Therefore, it has been classified as a Variant of Uncertain Significance.

Literature cited by the submitters: PubMed 36597107.

NM_001039213.4(CEACAM16):c.539C>A (p.Ser180Tyr)

Genes: CEACAM16 (CEA cell adhesion molecule 16, tectorial membrane component; plus strand), CEACAM16-AS1 (CEACAM16, CEACAM19 and PVR antisense RNA 1; minus strand). Cytogenetic location: 19q13.32.
Variant type: single nucleotide variant.
Coding change: c.539C>A on transcript NM_001039213.4 (MANE Select); coding-DNA position 539, C replaced by A.
Protein change: p.Ser180Tyr; replaces serine 180 with tyrosine.
Molecular consequence: missense variant.
Genome position (GRCh38, 1-based): chr19:44,704,174, C>A. VCF-style: chr19-44704174-C-A. GRCh37 (hg19) VCF-style: chr19-45207444-C-A.
Other names: short protein forms S180Y.
Identifiers: ClinVar variation 4767110 (VCV004767110.1).
Genomic context (GRCh38, chr19:44,704,174, plus strand): 5'-CCGAGGTCCGCTGGTTCTTCAACGGTGGGGCCCTGCCCGTCGCTCTCCGCCTGGGCCTGT[C>A]CCCTGACGGCCGGGTGCTGGCCAGGCATGGCATCCGCCGGGAGGAGGCCGGCGCCTATCA-3'
Protein context (NP_001034302.2, residues 170-190): ALPVALRLGL[Ser180Tyr]PDGRVLARHG